The following is an entry in ClinVar:

ClinVar aggregate classification (germline): Conflicting classifications of pathogenicity. Review status: criteria provided, conflicting classifications (1 of 4 stars). 6 submissions from 5 submitters: Pathogenic (1); Likely pathogenic (2); Uncertain significance (2). 1 of the submissions does not count toward it. Last evaluated 2026-01-21.

Conditions:
Possible mitochondrial disorder - nuclear genes.
Progressive external ophthalmoplegia with mitochondrial DNA deletions, autosomal dominant 3. Also called: PROGRESSIVE EXTERNAL OPHTHALMOPLEGIA, AUTOSOMAL DOMINANT 3. Identifiers: MedGen C1836439, MONDO:0012241, OMIM 609286.
Mitochondrial DNA maintenance disorder.

Allele frequency attached by ClinVar (database versions not stated): gnomAD exomes 0.00001; ExAC 0.00002; TOPMed 0.00002.

Submissions (6):

Genetics Laboratory, Great Ormond Street Hospital NHS Foundation Trust, North Thames Genomic Laboratory Hub
Classification: Likely pathogenic for Mitochondrial DNA maintenance disorder. Last evaluated: 2026-01-21. Review status: criteria provided, single submitter. Criteria: ACGS Best Practice Guidelines for Variant Classification in Rare Disease 2024 v1.2. Collection method: clinical testing. Allele origin: germline. Affected: yes.
Comment: PS4_supporting, PM2_moderate, PM5_supporting, PP4_moderate

Genetics Laboratory, Great Ormond Street Hospital NHS Foundation Trust, North Thames Genomic Laboratory Hub
Classification: Likely pathogenic for Possible mitochondrial disorder - nuclear genes. Last evaluated: 2026-01-21. Review status: criteria provided, single submitter. Criteria: ACGS Best Practice Guidelines for Variant Classification in Rare Disease 2024 v1.2. Collection method: clinical testing. Allele origin: germline. Affected: yes.
Comment: the same text as in the submission from Genetics Laboratory, Great Ormond Street Hospital NHS Foundation Trust, North Thames Genomic Laboratory Hub above.

Labcorp Genetics (formerly Invitae), Labcorp
Classification: Pathogenic. Last evaluated: 2025-08-11. Review status: criteria provided, single submitter. Criteria: Invitae Variant Classification Sherloc (09022015). Collection method: clinical testing. Allele origin: germline.
Comment: This sequence change replaces arginine, which is basic and polar, with glutamine, which is neutral and polar, at codon 303 of the TWNK protein (p.Arg303Gln). This variant is present in population databases (rs137852956, gnomAD 0.003%). This missense change has been observed in individual(s) with autosomal dominant progressive external ophthalmoplegia with mitochondrial DNA deletions (PMID: 19353676, 20479361). This variant has been reported in individual(s) with autosomal recessive mitochondrial DNA depletion syndrome (PMID: 31271879); however, the role of the variant in this condition is currently unclear. ClinVar contains an entry for this variant (Variation ID: 4628). Invitae Evidence Modeling of protein sequence and biophysical properties (such as structural, functional, and spatial information, amino acid conservation, physicochemical variation, residue mobility, and thermodynamic stability) indicates that this missense variant is expected to disrupt TWNK protein function with a positive predictive value of 80%. This variant disrupts the p.Arg303 amino acid residue in TWNK. Other variant(s) that disrupt this residue have been determined to be pathogenic (PMID: 12707443, 19428252, 20659899). This suggests that this residue is clinically significant, and that variants that disrupt this residue are likely to be disease-causing. For these reasons, this variant has been classified as Pathogenic.

Blueprint Genetics
Classification: Uncertain significance. Last evaluated: 2022-11-18. Review status: criteria provided, single submitter. Criteria: ACMG Guidelines, 2015. Collection method: clinical testing. Allele origin: germline.

Athena Diagnostics
Classification: Uncertain significance. Last evaluated: 2019-11-13. Review status: criteria provided, single submitter. Criteria: Athena Diagnostics Criteria. Collection method: clinical testing. Allele origin: unknown.

OMIM
Classification: Pathogenic for PROGRESSIVE EXTERNAL OPHTHALMOPLEGIA WITH MITOCHONDRIAL DNA DELETIONS, AUTOSOMAL DOMINANT 3. Last evaluated: 2009-05-01. Review status: no assertion criteria provided. Collection method: literature only. Allele origin: germline. Not counted in ClinVar's aggregate classification.

Literature cited by the submitters: PubMed 19353676 (cited by 3 submitters); PubMed 20479361 (cited by Labcorp Genetics (formerly Invitae), Labcorp and Athena Diagnostics); PubMed 31271879 (cited by Labcorp Genetics (formerly Invitae), Labcorp and Athena Diagnostics); PubMed 12707443 (cited by Labcorp Genetics (formerly Invitae), Labcorp); PubMed 19428252 (cited by Labcorp Genetics (formerly Invitae), Labcorp); PubMed 20659899 (cited by Labcorp Genetics (formerly Invitae), Labcorp).

NM_021830.5(TWNK):c.908G>A (p.Arg303Gln)

Gene: TWNK (twinkle mtDNA helicase; plus strand). Cytogenetic location: 10q24.31.
Variant type: single nucleotide variant.
Coding change: c.908G>A on transcript NM_021830.5 (MANE Select); coding-DNA position 908, G replaced by A.
Protein change: p.Arg303Gln; replaces arginine 303 with glutamine.
Molecular consequence: missense variant. On other transcripts: non-coding transcript variant (4), intron variant (3).
Genome position (GRCh38, 1-based): chr10:100,989,118, G>A. VCF-style: chr10-100989118-G-A. GRCh37 (hg19) VCF-style: chr10-102748875-G-A.
Other names: c.908G>A, p.Arg303Gln (NM_001163812.2); c.-119-526G>A (NM_001163814.2, NM_001163813.2); c.-57-588G>A (NM_001368275.1); short protein forms R303Q.
Identifiers: ClinVar variation 4628 (VCV000004628.9), dbSNP rs137852956, ClinGen allele CA116969.